The following is an entry in ClinVar:

NM_004994.3(MMP9):c.1891C>T (p.Arg631Cys)

Genes: MMP9 (matrix metallopeptidase 9; plus strand), SLC12A5-AS1 (SLC12A5 and MMP9 antisense RNA 1; minus strand), LOC130065978 (ATAC-STARR-seq lymphoblastoid silent region 12969; plus strand). Cytogenetic location: 20q13.12.
Variant type: single nucleotide variant.
Coding change: c.1891C>T on transcript NM_004994.3 (MANE Select); coding-DNA position 1891, C replaced by T.
Protein change: p.Arg631Cys; replaces arginine 631 with cysteine.
Molecular consequence: missense variant. On other transcripts: non-coding transcript variant (1).
Genome position (GRCh38, 1-based): chr20:46,014,264, C>T. VCF-style: chr20-46014264-C-T. GRCh37 (hg19) VCF-style: chr20-44642903-C-T.
Other names: short protein forms R631C.
Identifiers: ClinVar variation 4698809 (VCV004698809.1).
Genomic context (GRCh38, chr20:46,014,264, plus strand): 5'-GCCCAGGTGACCGGGGCCCTCCGGAGTGGCAGGGGGAAGATGCTGCTGTTCAGCGGGCGG[C>T]GCCTCTGGAGGTGAGCGCCGCCGCGGCCGCCGGCAGGGGGAGCCCGGGCGCCGTCGGTCC-3'
Protein context (NP_004985.2, residues 621-641): RGKMLLFSGR[Arg631Cys]LWRFDVKAQM

ClinVar aggregate classification (germline): Uncertain significance (1 of 4 stars; one submission).

Submission:

Labcorp Genetics (formerly Invitae), Labcorp
Classification: Uncertain significance. Last evaluated: 2025-04-28. Review status: criteria provided, single submitter. Criteria: Invitae Variant Classification Sherloc (09022015). Collection method: clinical testing. Allele origin: germline.
Comment: This sequence change replaces arginine, which is basic and polar, with cysteine, which is neutral and slightly polar, at codon 631 of the MMP9 protein (p.Arg631Cys). The frequency data for this variant in the population databases is considered unreliable, as metrics indicate poor data quality at this position in the gnomAD database. This variant has not been reported in the literature in individuals affected with MMP9-related conditions. Invitae Evidence Modeling of protein sequence and biophysical properties (such as structural, functional, and spatial information, amino acid conservation, physicochemical variation, residue mobility, and thermodynamic stability) indicates that this missense variant is not expected to disrupt MMP9 protein function with a negative predictive value of 80%. In summary, the available evidence is currently insufficient to determine the role of this variant in disease. Therefore, it has been classified as a Variant of Uncertain Significance.